The following is an entry in ClinVar:

NM_031935.3(HMCN1):c.838A>G (p.Ile280Val)

Gene: HMCN1 (hemicentin 1; plus strand). Cytogenetic location: 1q31.1.
Variant type: single nucleotide variant.
Coding change: c.838A>G on transcript NM_031935.3 (MANE Select); coding-DNA position 838, A replaced by G.
Protein change: p.Ile280Val; replaces isoleucine 280 with valine.
Molecular consequence: missense variant.
Genome position (GRCh38, 1-based): chr1:185,911,718, A>G. VCF-style: chr1-185911718-A-G. GRCh37 (hg19) VCF-style: chr1-185880850-A-G.
Other names: short protein forms I280V.
Identifiers: ClinVar variation 2176441 (VCV002176441.4), dbSNP rs373258236, ClinGen allele CA1290963.
Genomic context (GRCh38, chr1:185,911,718, plus strand): 5'-ATGTTCTGTCTTTCAGGGAAGCTGATAAAAAAGGGATTTGGCCTGCATGAGCTATTAAAT[A>G]TCCATAACTCTGCCAAAGTAGTGAATGTGAAAGAGCCAGAGGCTGGAATGTGGACAGTGA-3'
Protein context (NP_114141.2, residues 270-290): KGFGLHELLN[Ile280Val]HNSAKVVNVK

ClinVar aggregate classification (germline): Uncertain significance (1 of 4 stars; one submission).

Allele frequency attached by ClinVar (database versions not stated): gnomAD exomes 0.00001; ExAC 0.00004; ESP Exome Variant Server 0.00008; gnomAD 0.00011; TOPMed 0.00014; 1000 Genomes Project 30x 0.00031; 1000 Genomes Project 0.00040.
gnomAD v4.1: 32 of 1,613,610 alleles (0.002%); highest among the groups gnomAD compares: African/African-American, 0.039%; no homozygotes.

Submission:

Labcorp Genetics (formerly Invitae), Labcorp
Classification: Uncertain significance. Last evaluated: 2023-10-19. Review status: criteria provided, single submitter. Criteria: Invitae Variant Classification Sherloc (09022015). Collection method: clinical testing. Allele origin: germline.
Comment: This sequence change replaces isoleucine, which is neutral and non-polar, with valine, which is neutral and non-polar, at codon 280 of the HMCN1 protein (p.Ile280Val). This variant is present in population databases (rs373258236, gnomAD 0.05%). This variant has not been reported in the literature in individuals affected with HMCN1-related conditions. ClinVar contains an entry for this variant (Variation ID: 2176441). An algorithm developed to predict the effect of missense changes on protein structure and function (PolyPhen-2) suggests that this variant is likely to be disruptive. In summary, the available evidence is currently insufficient to determine the role of this variant in disease. Therefore, it has been classified as a Variant of Uncertain Significance.